The following is an entry in ClinVar:

NM_181782.5(NCOA7):c.1506G>A (p.Ser502=)

Gene: NCOA7 (nuclear receptor coactivator 7; plus strand). Cytogenetic location: 6q22.32.
Variant type: single nucleotide variant.
Coding change: c.1506G>A on transcript NM_181782.5 (MANE Select); coding-DNA position 1506, G replaced by A.
Protein change: p.Ser502=; no amino-acid change (serine 502 retained).
Molecular consequence: synonymous variant.
Genome position (GRCh38, 1-based): chr6:125,889,560, G>A. VCF-style: chr6-125889560-G-A. GRCh37 (hg19) VCF-style: chr6-126210706-G-A.
Other names: c.1473G>A, p.Ser491= (NM_001122842.3); c.1506G>A, p.Ser502= (NM_001199619.2, NM_001199620.2); c.1161G>A, p.Ser387= (NM_001199621.2).
Identifiers: ClinVar variation 2656898 (VCV002656898.24), dbSNP rs144077211, ClinGen allele CA3986977.

ClinVar aggregate classification (germline): Likely benign (1 of 4 stars; one submission).

Allele frequency attached by ClinVar (database versions not stated): gnomAD exomes 0.00015; 1000 Genomes Project 30x 0.00016; 1000 Genomes Project 0.00020; ExAC 0.00034; gnomAD 0.00113; TOPMed 0.00124; ESP Exome Variant Server 0.00146.
gnomAD v4.1: 391 of 1,614,018 alleles (0.024%); highest among the groups gnomAD compares: African/African-American, 0.38%; 1 homozygote.

Submission:

CeGaT Center for Human Genetics Tuebingen
Classification: Likely benign. Last evaluated: 2022-03-01. Review status: criteria provided, single submitter. Criteria: CeGaT Center For Human Genetics Tuebingen Variant Classification Criteria Version 2. Collection method: clinical testing. Allele origin: germline. Affected: yes. Observed: 1 variant allele.
Comment: NCOA7: BP4, BP7